The following is an entry in ClinVar:

NM_001605.3(AARS1):c.1726A>C (p.Ile576Leu)

Gene: AARS1 (alanyl-tRNA synthetase 1; minus strand). Cytogenetic location: 16q22.1.
Variant type: single nucleotide variant.
Coding change: c.1726A>C on transcript NM_001605.3 (MANE Select); coding-DNA position 1726, A replaced by C.
Protein change: p.Ile576Leu; replaces isoleucine 576 with leucine.
Molecular consequence: missense variant.
Genome position (GRCh38, 1-based): chr16:70,261,103, T>G on the plus strand (A>C on the coding strand, the complement: AARS1 is on the minus strand). VCF-style: chr16-70261103-T-G. GRCh37 (hg19) VCF-style: chr16-70295006-T-G.
Other names: short protein forms I576L.
Identifiers: ClinVar variation 543220 (VCV000543220.9), dbSNP rs755027471, ClinGen allele CA8140705.

ClinVar aggregate classification (germline): Uncertain significance. Review status: criteria provided, multiple submitters, no conflicts (2 of 4 stars). 2 submissions from 2 submitters: Uncertain significance (2). Last evaluated 2023-08-03.

Conditions:
Charcot-Marie-Tooth disease type 2. Also called: Charcot-Marie-Tooth type 2. Identifiers: Orphanet 64746, MedGen C0270914, MONDO:0018993.

Allele frequency attached by ClinVar (database versions not stated): gnomAD 0.00001; TOPMed below 0.00001; ExAC 0.00001.
gnomAD v4.1: 18 of 1,613,822 alleles (0.0011%); highest among the groups gnomAD compares: Non-Finnish European, 0.0014%; no homozygotes.

Submissions (2):

Women's Health and Genetics/Laboratory Corporation of America, LabCorp
Classification: Uncertain significance. Last evaluated: 2023-08-03. Review status: criteria provided, single submitter. Criteria: LabCorp Variant Classification Summary - May 2015. Collection method: clinical testing. Allele origin: germline.
Comment: Variant summary: AARS (AARS1) c.1726A>C (p.Ile576Leu) results in a conservative amino acid change located in the alanyl-tRNA synthetase, class IIc, N-terminal domain (IPR018164) of the encoded protein sequence. Four of five in-silico tools predict a benign effect of the variant on protein function. The variant allele was found at a frequency of 8e-06 in 251494 control chromosomes (gnomAD). The available data on variant occurrences in the general population are insufficient to allow any conclusion about variant significance. To our knowledge, no occurrence of c.1726A>C in individuals affected with Developmental And Epileptic Encephalopathy 29 or other AARS-related disorders and no experimental evidence demonstrating its impact on protein function have been reported. One submitter has provided a clinical-significance assessment for this variant to ClinVar after 2014 and classified the variant as uncertain significance. Based on the evidence outlined above, the variant was classified as uncertain significance.

Labcorp Genetics (formerly Invitae), Labcorp
Classification: Uncertain significance for Charcot-Marie-Tooth disease type 2. Last evaluated: 2017-11-16. Review status: criteria provided, single submitter. Criteria: Invitae Variant Classification Sherloc (09022015). Collection method: clinical testing. Allele origin: germline.
Comment: This variant has not been reported in the literature in individuals with AARS-related disease. This variant is present in population databases (rs755027471, ExAC 0.001%). This sequence change replaces isoleucine with leucine at codon 576 of the AARS protein (p.Ile576Leu). The isoleucine residue is moderately conserved and there is a small physicochemical difference between isoleucine and leucine. Algorithms developed to predict the effect of missense changes on protein structure and function (SIFT, PolyPhen-2, Align-GVGD) all suggest that this variant is likely to be tolerated, but these predictions have not been confirmed by published functional studies and their clinical significance is uncertain. In summary, the available evidence is currently insufficient to determine the role of this variant in disease. Therefore, it has been classified as a Variant of Uncertain Significance.